The following is an entry in ClinVar:

ClinVar aggregate classification (germline): Likely pathogenic (1 of 4 stars; one submission).

Submission:

Labcorp Genetics (formerly Invitae), Labcorp
Classification: Likely pathogenic. Last evaluated: 2023-04-23. Review status: criteria provided, single submitter. Criteria: Invitae Variant Classification Sherloc (09022015). Collection method: clinical testing. Allele origin: germline.
Comment: In summary, the currently available evidence indicates that the variant is pathogenic, but additional data are needed to prove that conclusively. Therefore, this variant has been classified as Likely Pathogenic. Algorithms developed to predict the effect of sequence changes on RNA splicing suggest that this variant may disrupt the consensus splice site. This variant has not been reported in the literature in individuals affected with GGCX-related conditions. This variant is not present in population databases (gnomAD no frequency). This sequence change affects a donor splice site in intron 10 of the GGCX gene. It is expected to disrupt RNA splicing. Variants that disrupt the donor or acceptor splice site typically lead to a loss of protein function (PMID: 16199547), and loss-of-function variants in GGCX are known to be pathogenic (PMID: 17110937, 17327402, 24520408).

Literature cited by the submitters: PubMed 16199547; PubMed 17110937; PubMed 17327402; PubMed 24520408.

NM_000821.7(GGCX):c.1439+2T>C

Gene: GGCX (gamma-glutamyl carboxylase; minus strand). Cytogenetic location: 2p11.2.
Variant type: single nucleotide variant.
Coding change: c.1439+2T>C on transcript NM_000821.7 (MANE Select); the canonical splice donor site of the intron after coding-DNA position 1439, T replaced by C.
Molecular consequence: splice donor variant.
Genome position (GRCh38, 1-based): chr2:85,552,414, A>G on the plus strand (T>C on the coding strand, the complement: GGCX is on the minus strand). VCF-style: chr2-85552414-A-G. GRCh37 (hg19) VCF-style: chr2-85779537-A-G.
Other names: c.1268+2T>C (NM_001142269.4).
Identifiers: ClinVar variation 2979653 (VCV002979653.3), dbSNP rs2529675165, ClinGen allele CA347485095.